The following is an entry in ClinVar:

NM_014208.3(DSPP):c.1874_1877del (p.Asp625fs)

Genes: DMP1-AS1 (DMP1 and DSPP antisense RNA 1; minus strand), DSPP (dentin sialophosphoprotein; plus strand). Cytogenetic location: 4q22.1.
Variant type: Deletion.
Coding change: c.1874_1877del on transcript NM_014208.3 (MANE Select); coding-DNA positions 1874 to 1877, 4 bases deleted (ACAG; older notation c.1874_1877delACAG).
Protein change: p.Asp625fs; shifts the reading frame from aspartic acid 625.
Molecular consequence: frameshift variant.
Genome position (GRCh38, 1-based): chr4:87,614,536-87,614,539, ACAG deleted; deleting any 4 consecutive bases within chr4:87,614,533-87,614,539 gives the same sequence; the c. name uses the placement nearest the transcript's 3' end. VCF-style (leftmost placement, unchanged base first): chr4-87614532-TCAGA-T. GRCh37 (hg19) VCF-style: chr4-88535684-TCAGA-T.
Other names: short protein forms D625fs.
Identifiers: ClinVar variation 1339490 (VCV001339490.4), dbSNP rs781361596, ClinGen allele CA3001165.

ClinVar aggregate classification (germline): Pathogenic/Likely pathogenic. Review status: criteria provided, multiple submitters, no conflicts (2 of 4 stars). 2 submissions from 2 submitters: Pathogenic (1); Likely pathogenic (1). Last evaluated 2025-09-03.

Conditions:
Dentinogenesis imperfecta type 2 (DGI1). Also called: CAPDEPONT TEETH; Dentinogenesis imperfecta - Shield's type II; OPALESCENT DENTIN; OPALESCENT TEETH WITHOUT OSTEOGENESIS IMPERFECTA; Dentinogenesis imperfecta without osteogenesis imperfecta; Hereditary Opalescent Dentin. Identifiers: Orphanet 166260, MedGen C2973527, MONDO:0007441, OMIM 125490. Disease mechanism: loss of function.
Dentinogenesis imperfecta type 3 (DGI-III). Also called: Dentinogenesis imperfecta - Shield's type III; BRANDYWINE TYPE DENTINOGENESIS IMPERFECTA. Identifiers: Orphanet 166265, MedGen C0399378, MONDO:0007442, OMIM 125500. Disease mechanism: loss of function.

Submissions (2):

Reference Center For Rare Oral And Dental Diseases, CRMR O-Rares, Hôpitaux Universitaires De Strasbourg
Classification: Pathogenic for Dentinogenesis imperfecta type 2. Last evaluated: 2025-09-03. Review status: criteria provided, single submitter. Criteria: ACMG Guidelines, 2015. Collection method: clinical testing. Allele origin: unknown. Inheritance: Autosomal dominant inheritance. Affected: yes. Observed: 5 variant alleles.
Comment: PS4, PP1, PP4, PVS1, PM2 (5)

Dasa
Classification: Likely pathogenic for Dentinogenesis imperfecta type 3. Last evaluated: 2022-02-05. Review status: criteria provided, single submitter. Criteria: ACMG Guidelines, 2015. Collection method: clinical testing. Allele origin: germline. Affected: yes. Observed: 1 variant allele.
Comment: The c.1874_1877del;p.(Asp625Alafs*688) is a null frameshift variant (NMD) in the DSPP gene and predicts alteration of the nonsense-mediate decay - NMD is present in a relevant exon to the transcript - PVS1_strong. This variant is not present in population databases (rs781361596, gnomAD; ABraOM no frequency) - PM2. In summary, the currently available evidence indicates that the variant is likely pathogenic.

Literature cited by the submitters: PubMed 27973701 (cited by Reference Center For Rare Oral And Dental Diseases, CRMR O-Rares, Hôpitaux Universitaires De Strasbourg).